The following is an entry in ClinVar:

NM_001387430.1(SH2B1):c.234C>T (p.Ala78=)

Gene: SH2B1 (SH2B adaptor protein 1; plus strand). Cytogenetic location: 16p11.2.
Variant type: single nucleotide variant.
Coding change: c.234C>T on transcript NM_001387430.1 (MANE Select); coding-DNA position 234, C replaced by T.
Protein change: p.Ala78=; no amino-acid change (alanine 78 retained).
Molecular consequence: synonymous variant. On other transcripts: intron variant (1).
Genome position (GRCh38, 1-based): chr16:28,866,328, C>T. VCF-style: chr16-28866328-C-T. GRCh37 (hg19) VCF-style: chr16-28877649-C-T.
Other names: c.234C>T, p.Ala78= (NM_001145795.2, NM_001145796.2, NM_001145797.2 and 4 more transcripts); c.-26-1046C>T (NM_001308294.2).
Identifiers: ClinVar variation 736125 (VCV000736125.5), dbSNP rs751149899, ClinGen allele CA7985879.
Genomic context (GRCh38, chr16:28,866,328, plus strand): 5'-CGGGGCCGAGGCTGCCTTCTCCCGCCGTTTTGCTGAGCTCTTCCTGCAGCACTTTGAAGC[C>T]GAGGTGGCCCGGGCCTCTGGCTCCCTGTCGCCACCCATCCTGGCTCCCCTGAGCCCTGGT-3'
Protein context (NP_001374359.1, residues 68-88): FAELFLQHFE[Ala78=]EVARASGSLS

ClinVar aggregate classification (germline): Likely benign. Review status: criteria provided, single submitter (1 of 4 stars). 2 submissions from 2 submitters: Likely benign (1). 1 of the submissions does not count toward it. Last evaluated 2018-04-11.

Conditions:
SH2B1-related disorder. Also called: SH2B1-related condition.

Allele frequency attached by ClinVar (database versions not stated): gnomAD exomes 0.00002 and 0.00003; ExAC 0.00003; TOPMed 0.00007; gnomAD 0.00009 and 0.00011.
gnomAD v4.1: 39 of 1,611,902 alleles (0.0024%); highest among the groups gnomAD compares: African/African-American, 0.027%; no homozygotes.

Submissions (2):

Labcorp Genetics (formerly Invitae), Labcorp
Classification: Likely benign. Last evaluated: 2018-04-11. Review status: criteria provided, single submitter. Criteria: Invitae Variant Classification Sherloc (09022015). Collection method: clinical testing. Allele origin: germline.

PreventionGenetics, part of Exact Sciences
Classification: Likely benign for SH2B1-related condition. Last evaluated: 2022-04-06. Review status: no assertion criteria provided. Collection method: clinical testing. Allele origin: germline. Not counted in ClinVar's aggregate classification.
Comment: This variant is classified as likely benign based on ACMG/AMP sequence variant interpretation guidelines (Richards et al. 2015 PMID: 25741868, with internal and published modifications).